The following is an entry in ClinVar:

NM_000282.4(PCCA):c.1461G>C (p.Glu487Asp)

Gene: PCCA (propionyl-CoA carboxylase subunit alpha; plus strand). Cytogenetic location: 13q32.3.
Variant type: single nucleotide variant.
Coding change: c.1461G>C on transcript NM_000282.4 (MANE Select); coding-DNA position 1461, G replaced by C.
Protein change: p.Glu487Asp; replaces glutamic acid 487 with aspartic acid.
Molecular consequence: missense variant. On other transcripts: non-coding transcript variant (5).
Genome position (GRCh38, 1-based): chr13:100,330,592, G>C. VCF-style: chr13-100330592-G-C. GRCh37 (hg19) VCF-style: chr13-100982846-G-C.
Other names: c.1383G>C, p.Glu461Asp (NM_001127692.3, NM_001352607.2); c.1461G>C, p.Glu487Asp (NM_001178004.2, NM_001352605.2, NM_001352609.2); c.1317G>C, p.Glu439Asp (NM_001352606.2); c.1239G>C, p.Glu413Asp (NM_001352608.2); c.516G>C, p.Glu172Asp (NM_001352610.2, NM_001352611.2); c.372G>C, p.Glu124Asp (NM_001352612.2); short protein forms E124D, E172D, E413D, E439D, E461D, E487D.
Identifiers: ClinVar variation 1209649 (VCV001209649.8), dbSNP rs767997785, ClinGen allele CA7033675.

ClinVar aggregate classification (germline): Uncertain significance. Review status: criteria provided, multiple submitters, no conflicts (2 of 4 stars). 2 submissions from 2 submitters: Uncertain significance (2). Last evaluated 2022-08-06.

Conditions:
Propionic acidemia (PROP). Also called: GLYCINEMIA, KETOTIC; HYPERGLYCINEMIA WITH KETOACIDOSIS AND LEUKOPENIA; KETOTIC HYPERGLYCINEMIA. Identifiers: Orphanet 35, MedGen C0268579, MONDO:0011628, OMIM 606054, HP:0003571.

Allele frequency attached by ClinVar (database versions not stated): gnomAD exomes below 0.00001; TOPMed below 0.00001; ExAC 0.00001.
gnomAD v4.1: 4 of 1,610,790 alleles (0.00025%); highest among the groups gnomAD compares: Middle Eastern, 0.05%; no homozygotes.

Submissions (2):

Labcorp Genetics (formerly Invitae), Labcorp
Classification: Uncertain significance for Propionic acidemia. Last evaluated: 2022-08-06. Review status: criteria provided, single submitter. Criteria: Invitae Variant Classification Sherloc (09022015). Collection method: clinical testing. Allele origin: germline.
Comment: This sequence change replaces glutamic acid, which is acidic and polar, with aspartic acid, which is acidic and polar, at codon 487 of the PCCA protein (p.Glu487Asp). This variant is present in population databases (rs767997785, gnomAD no frequency). This variant has not been reported in the literature in individuals affected with PCCA-related conditions. ClinVar contains an entry for this variant (Variation ID: 1209649). Advanced modeling of protein sequence and biophysical properties (such as structural, functional, and spatial information, amino acid conservation, physicochemical variation, residue mobility, and thermodynamic stability) performed at Invitae indicates that this missense variant is not expected to disrupt PCCA protein function. In summary, the available evidence is currently insufficient to determine the role of this variant in disease. Therefore, it has been classified as a Variant of Uncertain Significance.

Genome-Nilou Lab
Classification: Uncertain significance for Propionic acidemia. Last evaluated: 2021-07-14. Review status: criteria provided, single submitter. Criteria: ACMG Guidelines, 2015. Collection method: clinical testing. Allele origin: germline. Affected: no.